The following is an entry in ClinVar:

ClinVar aggregate classification (germline): Uncertain significance. Review status: criteria provided, multiple submitters, no conflicts (2 of 4 stars). 4 submissions from 4 submitters: Uncertain significance (2). 2 of the submissions do not count toward it. Last evaluated 2025-09-11.

Allele frequency attached by ClinVar (database versions not stated): ESP Exome Variant Server 0.00031; 1000 Genomes Project 0.00060; 1000 Genomes Project 30x 0.00062.
gnomAD v4.1: 318 of 1,613,122 alleles (0.02%); highest among the groups gnomAD compares: Middle Eastern, 0.13%; 3 homozygotes.

Submissions (4):

Mayo Clinic Laboratories, Mayo Clinic
Classification: Uncertain significance. Last evaluated: 2025-09-11. Review status: criteria provided, single submitter. Criteria: ACMG Guidelines, 2015. Collection method: clinical testing. Allele origin: germline. Observed: 1 variant allele.
Comment: BP4

Ambry Genetics
Classification: Uncertain significance. Last evaluated: 2023-03-06. Review status: criteria provided, single submitter. Criteria: Ambry Variant Classification Scheme 2023. Collection method: clinical testing. Allele origin: germline.

Clinical Genetics DNA and cytogenetics Diagnostics Lab, Erasmus MC, Erasmus Medical Center
Classification: Uncertain significance. Review status: no assertion criteria provided. Collection method: clinical testing. Allele origin: germline. Affected: yes. Study: VKGL Data-share Consensus. Not counted in ClinVar's aggregate classification.

Diagnostic Laboratory, Department of Genetics, University Medical Center Groningen
Classification: Uncertain significance. Review status: no assertion criteria provided. Collection method: clinical testing. Allele origin: germline. Affected: yes. Study: VKGL Data-share Consensus. Not counted in ClinVar's aggregate classification.

NM_032782.5(HAVCR2):c.509A>T (p.Asp170Val)

Gene: HAVCR2 (hepatitis A virus cellular receptor 2; minus strand). Cytogenetic location: 5q33.3.
Variant type: single nucleotide variant.
Coding change: c.509A>T on transcript NM_032782.5 (MANE Select); coding-DNA position 509, A replaced by T.
Protein change: p.Asp170Val; replaces aspartic acid 170 with valine.
Molecular consequence: missense variant.
Genome position (GRCh38, 1-based): chr5:157,098,871, T>A on the plus strand (A>T on the coding strand, the complement: HAVCR2 is on the minus strand). VCF-style: chr5-157098871-T-A. GRCh37 (hg19) VCF-style: chr5-156525882-T-A.
Other names: p.Asp170Val; c.509A>T (NM_032782.3); short protein forms D170V.
Identifiers: ClinVar variation 1299290 (VCV001299290.4), dbSNP rs182081536, ClinGen allele CA3531884.